The following is an entry in ClinVar:

NM_000222.3(KIT):c.1948C>T (p.His650Tyr)

Gene: KIT (KIT proto-oncogene, receptor tyrosine kinase; plus strand). Cytogenetic location: 4q12.
Variant type: single nucleotide variant.
Coding change: c.1948C>T on transcript NM_000222.3 (MANE Select); coding-DNA position 1948, C replaced by T.
Protein change: p.His650Tyr; replaces histidine 650 with tyrosine.
Molecular consequence: missense variant.
Genome position (GRCh38, 1-based): chr4:54,728,079, C>T. VCF-style: chr4-54728079-C-T. GRCh37 (hg19) VCF-style: chr4-55594245-C-T.
Other names: c.1936C>T, p.His646Tyr (NM_001093772.2, NM_001385286.1); c.1951C>T, p.His651Tyr (NM_001385284.1, NM_001385290.1); c.1948C>T, p.His650Tyr (NM_001385285.1); c.1939C>T, p.His647Tyr (NM_001385288.1, NM_001385292.1); short protein forms H650Y, H646Y, H651Y, H647Y.
Identifiers: ClinVar variation 3647994 (VCV003647994.2).
Genomic context (GRCh38, chr4:54,728,079, plus strand): 5'-CATTTGACAGAACGGGAAGCCCTCATGTCTGAACTCAAAGTCCTGAGTTACCTTGGTAAT[C>T]ACATGAATATTGTGAATCTACTTGGAGCCTGCACCATTGGAGGTAAAGCCGTGTCCAAGC-3'
Protein context (NP_000213.1, residues 640-660): ELKVLSYLGN[His650Tyr]MNIVNLLGAC

ClinVar aggregate classification (germline): Uncertain significance (1 of 4 stars; one submission).

Conditions:
Gastrointestinal stromal tumor. Also called: Gastrointestinal stromal tumor, somatic; Gastrointestinal stroma tumor. Identifiers: Orphanet 44890, MedGen C0238198, MeSH D046152, MONDO:0011719, OMIM 606764, HP:0100723.

Submission:

Labcorp Genetics (formerly Invitae), Labcorp
Classification: Uncertain significance for Gastrointestinal stromal tumor. Last evaluated: 2024-03-28. Review status: criteria provided, single submitter. Criteria: Invitae Variant Classification Sherloc (09022015). Collection method: clinical testing. Allele origin: germline.
Comment: This sequence change replaces histidine, which is basic and polar, with tyrosine, which is neutral and polar, at codon 650 of the KIT protein (p.His650Tyr). This variant is not present in population databases (gnomAD no frequency). This variant has not been reported in the literature in individuals affected with KIT-related conditions. An algorithm developed to predict the effect of missense changes on protein structure and function (PolyPhen-2) suggests that this variant is likely to be disruptive. In summary, the available evidence is currently insufficient to determine the role of this variant in disease. Therefore, it has been classified as a Variant of Uncertain Significance.